The following is an entry in ClinVar:

NM_005876.5(SPEG):c.2441-8C>G

Gene: SPEG (striated muscle enriched protein kinase; plus strand). Cytogenetic location: 2q35.
Variant type: single nucleotide variant.
Coding change: c.2441-8C>G on transcript NM_005876.5 (MANE Select); 8 bases into the intron before coding-DNA position 2441, C replaced by G.
Molecular consequence: intron variant.
Genome position (GRCh38, 1-based): chr2:219,461,874, C>G. VCF-style: chr2-219461874-C-G. GRCh37 (hg19) VCF-style: chr2-220326596-C-G.
Other names: p.?; c.-107-8C>G (NM_001173476.2).
Identifiers: ClinVar variation 733333 (VCV000733333.53), dbSNP rs375370312, ClinGen allele CA2125849.
Genomic context (GRCh38, chr2:219,461,874, plus strand): 5'-ATTCCAGCCAGCTCTCCCAGGCTCTCTGCTCGCCTTCCTCCCTGGTAGCTATCTCTGTCT[C>G]TCTCCAGGTGGGTCTACATCCCCTTTCAGCAGCCCCATCACCTCCGACGAGGAATACCTG-3'

ClinVar aggregate classification (germline): Likely benign. Review status: criteria provided, multiple submitters, no conflicts (2 of 4 stars). 4 submissions from 4 submitters: Likely benign (4). Last evaluated 2026-01-19.

Allele frequency attached by ClinVar (database versions not stated): 1000 Genomes Project 30x 0.00016; 1000 Genomes Project 0.00020; ESP Exome Variant Server 0.00024; gnomAD 0.00026 and 0.00029; TOPMed 0.00028; ExAC 0.00042.
gnomAD v4.1: 410 of 1,612,924 alleles (0.025%); highest among the groups gnomAD compares: Middle Eastern, 0.13%; 2 homozygotes.

Submissions (4):

Labcorp Genetics (formerly Invitae), Labcorp
Classification: Likely benign. Last evaluated: 2026-01-19. Review status: criteria provided, single submitter. Criteria: Invitae Variant Classification Sherloc (09022015). Collection method: clinical testing. Allele origin: germline.

Mayo Clinic Laboratories, Mayo Clinic
Classification: Likely benign. Last evaluated: 2025-03-14. Review status: criteria provided, single submitter. Criteria: ACMG Guidelines, 2015. Collection method: clinical testing. Allele origin: germline. Observed: 2 variant alleles.
Comment: BS1

Blueprint Genetics
Classification: Likely benign. Last evaluated: 2024-10-25. Review status: criteria provided, single submitter. Criteria: ACMG Guidelines, 2015. Collection method: clinical testing. Allele origin: germline.

CeGaT Center for Human Genetics Tuebingen
Classification: Likely benign. Last evaluated: 2023-02-01. Review status: criteria provided, single submitter. Criteria: CeGaT Center For Human Genetics Tuebingen Variant Classification Criteria Version 2. Collection method: clinical testing. Allele origin: germline. Affected: yes. Observed: 2 variant alleles.
Comment: SPEG: BP4